The following is an entry in ClinVar:

ClinVar aggregate classification (germline): Uncertain significance (1 of 4 stars; one submission).

Allele frequency attached by ClinVar (database versions not stated): ExAC 0.00001; gnomAD exomes 0.00001; gnomAD 0.00002.

Submission:

GeneDx
Classification: Uncertain significance. Last evaluated: 2019-12-17. Review status: criteria provided, single submitter. Criteria: GeneDx Variant Classification Process June 2021. Collection method: clinical testing. Allele origin: germline. Affected: yes.
Comment: Not observed at a significant frequency in large population cohorts (Lek et al., 2016); In silico analysis, which includes protein predictors and evolutionary conservation, supports that this variant does not alter protein structure/function; Has not been previously published as pathogenic or benign to our knowledge

NM_001851.6(COL9A1):c.116G>T (p.Gly39Val)

Gene: COL9A1 (collagen type IX alpha 1 chain; minus strand). Cytogenetic location: 6q13.
Variant type: single nucleotide variant.
Coding change: c.116G>T on transcript NM_001851.6 (MANE Select); coding-DNA position 116, G replaced by T.
Protein change: p.Gly39Val; replaces glycine 39 with valine.
Molecular consequence: missense variant.
Genome position (GRCh38, 1-based): chr6:70,300,359, C>A on the plus strand (G>T on the coding strand, the complement: COL9A1 is on the minus strand). VCF-style: chr6-70300359-C-A. GRCh37 (hg19) VCF-style: chr6-71010062-C-A.
Other names: c.116G>T, p.Gly39Val (NM_001377291.1); short protein forms G39V.
Identifiers: ClinVar variation 1202942 (VCV001202942.3), dbSNP rs781464240, ClinGen allele CA3882921.